The following is an entry in ClinVar:

ClinVar aggregate classification (germline): Uncertain significance. Review status: criteria provided, multiple submitters, no conflicts (2 of 4 stars). 2 submissions from 2 submitters: Uncertain significance (2). Last evaluated 2025-08-07.

Conditions:
Hereditary cancer-predisposing syndrome. Also called: Neoplastic Syndromes, Hereditary; Tumor predisposition; Hereditary Cancer Syndrome; Hereditary neoplastic syndrome. Identifiers: Orphanet 140162, MedGen C0027672, MeSH D009386, MONDO:0015356.

Submissions (2):

Labcorp Genetics (formerly Invitae), Labcorp
Classification: Uncertain significance for Hereditary cancer-predisposing syndrome. Last evaluated: 2025-08-07. Review status: criteria provided, single submitter. Criteria: Invitae Variant Classification Sherloc (09022015). Collection method: clinical testing. Allele origin: germline.
Comment: This variant, c.3704_3706del, results in the deletion of 1 amino acid(s) of the RAD50 protein (p.Thr1235del), but otherwise preserves the integrity of the reading frame. This variant is present in population databases (no rsID available, gnomAD 0.003%). This variant has not been reported in the literature in individuals affected with RAD50-related conditions. Experimental studies and prediction algorithms are not available or were not evaluated, and the functional significance of this variant is currently unknown. In summary, the available evidence is currently insufficient to determine the role of this variant in disease. Therefore, it has been classified as a Variant of Uncertain Significance.

Ambry Genetics
Classification: Uncertain significance for Hereditary cancer-predisposing syndrome. Last evaluated: 2020-01-17. Review status: criteria provided, single submitter. Criteria: Ambry Variant Classification Scheme 2023. Collection method: clinical testing. Allele origin: germline.
Comment: The c.3704_3706delCAA variant (also known as p.T1235del) is located in coding exon 24 of the RAD50 gene. This variant results from an in-frame CAA deletion at nucleotide positions 3704 to 3706. This results in the in-frame deletion of a threonine at codon 1235. This amino acid position is highly conserved in available vertebrate species. In addition, this alteration is predicted to be deleterious by in silico analysis (Choi Y et al. PLoS ONE. 2012; 7(10):e46688). Since supporting evidence is limited at this time, the clinical significance of this alteration remains unclear.

NM_005732.4(RAD50):c.3698CAA[2] (p.Thr1235del)

Genes: RAD50 (RAD50 double strand break repair protein; plus strand), TH2-LCR (Th2 cytokine locus control region; plus strand), TH2LCRR (T helper type 2 locus control region associated RNA; minus strand). Cytogenetic location: 5q31.1.
Variant type: Microsatellite.
Coding change: c.3698CAA[2] on transcript NM_005732.4 (MANE Select); two copies in a row of the 3-base unit CAA starting at c.3698; the reference has three copies in a row; one copy, 3 bases deleted.
Protein change: p.Thr1235del; deletes threonine 1235.
Molecular consequence: inframe deletion.
Genome position (GRCh38, 1-based): chr5:132,640,757-132,640,759, CAA deleted; deleting any 3 consecutive bases within chr5:132,640,751-132,640,759 gives the same sequence; the position shown is the placement nearest the transcript's 3' end. VCF-style (leftmost placement, unchanged base first): chr5-132640750-CCAA-C. GRCh37 (hg19) VCF-style: chr5-131976442-CCAA-C.
Other names: short protein forms T1235del.
Identifiers: ClinVar variation 232137 (VCV000232137.10), dbSNP rs876659578, ClinGen allele CA10578615.